The following is an entry in ClinVar:

NM_000051.4(ATM):c.8247del (p.Lys2749fs)

Genes: ATM (ATM serine/threonine kinase; plus strand), C11orf65 (chromosome 11 open reading frame 65; minus strand). Cytogenetic location: 11q22.3.
Variant type: Deletion.
Coding change: c.8247del on transcript NM_000051.4 (MANE Select); coding-DNA position 8247, one base deleted (A; older notation c.8247delA).
Protein change: p.Lys2749fs; shifts the reading frame from lysine 2749.
Molecular consequence: frameshift variant. On other transcripts: intron variant (2).
Genome position (GRCh38, 1-based): chr11:108,335,940, A deleted; the last of 3 consecutive A bases (chr11:108,335,938-108,335,940); deleting any one gives the same sequence. VCF-style (leftmost placement, unchanged base first): chr11-108335937-GA-G. GRCh37 (hg19) VCF-style: chr11-108206664-GA-G.
Other names: c.8247del, p.Lys2749fs (NM_001351834.2); c.641-26867del (NM_001330368.2); c.695-646del (NM_001351110.2); short protein forms K2749fs.
Identifiers: ClinVar variation 1457190 (VCV001457190.8), dbSNP rs2136698948, ClinGen allele CA2573146688.

ClinVar aggregate classification (germline): Pathogenic (1 of 4 stars; one submission).

Conditions:
Ataxia-telangiectasia syndrome (AT). Also called: Ataxia-telangiectasia; LOUIS-BAR SYNDROME; Ataxia-telangiectasia, complementation group D; AT, COMPLEMENTATION GROUP C; ATAXIA-TELANGIECTASIA, COMPLEMENTATION GROUP A; ATAXIA-TELANGIECTASIA, FRESNO VARIANT. Identifiers: Orphanet 100, MedGen C0004135, MONDO:0008840, OMIM 208900.

Submission:

Labcorp Genetics (formerly Invitae), Labcorp
Classification: Pathogenic for Ataxia-telangiectasia syndrome. Last evaluated: 2021-06-29. Review status: criteria provided, single submitter. Criteria: Invitae Variant Classification Sherloc (09022015). Collection method: clinical testing. Allele origin: germline.
Comment: For these reasons, this variant has been classified as Pathogenic. This variant has not been reported in the literature in individuals affected with ATM-related conditions. This variant is not present in population databases (ExAC no frequency). This sequence change creates a premature translational stop signal (p.Lys2749Asnfs*2) in the ATM gene. It is expected to result in an absent or disrupted protein product. Loss-of-function variants in ATM are known to be pathogenic (PMID: 23807571, 25614872).

Literature cited by the submitters: PubMed 23807571; PubMed 25614872.